The following is an entry in ClinVar:

NM_182706.5(SCRIB):c.4428G>A (p.Pro1476=)

Gene: SCRIB (scribble planar cell polarity protein; minus strand). Cytogenetic location: 8q24.3.
Variant type: single nucleotide variant.
Coding change: c.4428G>A on transcript NM_182706.5 (MANE Select); coding-DNA position 4428, G replaced by A.
Protein change: p.Pro1476=; no amino-acid change (proline 1476 retained).
Molecular consequence: synonymous variant.
Genome position (GRCh38, 1-based): chr8:143,792,306, C>T on the plus strand (G>A on the coding strand, the complement: SCRIB is on the minus strand). VCF-style: chr8-143792306-C-T. GRCh37 (hg19) VCF-style: chr8-144874476-C-T.
Other names: c.4428G>A, p.Pro1476= (NM_015356.5).
Identifiers: ClinVar variation 3050971 (VCV003050971.2), dbSNP rs374590338, ClinGen allele CA4918222.
Genomic context (GRCh38, chr8:143,792,306, plus strand): 5'-CTCGGCCTCCAGGGCCCGGAGCTCGGCAGGGGACAGGGCACGCTCGGGTGCCGGTGGCTC[C>T]GGACTCTGCACGCGCAGCCGCTCCTGGTGGCGCCGTTCAGCTTTGGCCGTCCGCACCGGG-3'
Protein context (NP_874365.3, residues 1466-1486): RHQERLRVQS[Pro1476=]EPPAPERALS

ClinVar aggregate classification (germline): Likely benign (0 of 4 stars; one submission).

Conditions:
SCRIB-related disorder. Also called: SCRIB-related condition.

Allele frequency attached by ClinVar (database versions not stated): ExAC 0.00008; ESP Exome Variant Server 0.00018; 1000 Genomes Project 30x 0.00031; TOPMed 0.00044; gnomAD 0.00046.
gnomAD v4.1: 147 of 1,557,904 alleles (0.0094%); highest among the groups gnomAD compares: African/African-American, 0.16%; no homozygotes.

Submission:

PreventionGenetics, part of Exact Sciences
Classification: Likely benign for SCRIB-related condition. Last evaluated: 2020-02-19. Review status: no assertion criteria provided. Collection method: clinical testing. Allele origin: germline.
Comment: This variant is classified as likely benign based on ACMG/AMP sequence variant interpretation guidelines (Richards et al. 2015 PMID: 25741868, with internal and published modifications).